The following is an entry in ClinVar:

ClinVar aggregate classification (germline): Uncertain significance (1 of 4 stars; one submission).

Conditions:
Bardet-Biedl syndrome (BBS). Identifiers: Orphanet 110, MedGen C0752166, MONDO:0015229.

Allele frequency attached by ClinVar (database versions not stated): ExAC 0.00001; gnomAD exomes 0.00001 and 0.00004; TOPMed 0.00002; gnomAD 0.00003 and 0.00004; ESP Exome Variant Server 0.00008.
gnomAD v4.1: 64 of 1,612,752 alleles (0.004%); highest among the groups gnomAD compares: Non-Finnish European, 0.0047%; no homozygotes.

Submission:

Labcorp Genetics (formerly Invitae), Labcorp
Classification: Uncertain significance for Bardet-Biedl syndrome. Last evaluated: 2023-06-30. Review status: criteria provided, single submitter. Criteria: Invitae Variant Classification Sherloc (09022015). Collection method: clinical testing. Allele origin: germline.
Comment: In summary, the available evidence is currently insufficient to determine the role of this variant in disease. Therefore, it has been classified as a Variant of Uncertain Significance. Variants that disrupt the consensus splice site are a relatively common cause of aberrant splicing (PMID: 17576681, 9536098). Algorithms developed to predict the effect of sequence changes on RNA splicing suggest that this variant is not likely to affect RNA splicing. ClinVar contains an entry for this variant (Variation ID: 1423702). This variant has not been reported in the literature in individuals affected with WDPCP-related conditions. This variant is present in population databases (rs370961530, gnomAD 0.003%). This sequence change falls in intron 11 of the WDPCP gene. It does not directly change the encoded amino acid sequence of the WDPCP protein. It affects a nucleotide within the consensus splice site.

Literature cited by the submitters: PubMed 17576681; PubMed 9536098.

NM_015910.7(WDPCP):c.1624+6A>G

Gene: WDPCP (WD repeat containing planar cell polarity effector; minus strand). Cytogenetic location: 2p15.
Variant type: single nucleotide variant.
Coding change: c.1624+6A>G on transcript NM_015910.7 (MANE Select); 6 bases into the intron after coding-DNA position 1624, A replaced by G.
Molecular consequence: intron variant.
Genome position (GRCh38, 1-based): chr2:63,381,900, T>C on the plus strand (A>G on the coding strand, the complement: WDPCP is on the minus strand). VCF-style: chr2-63381900-T-C. GRCh37 (hg19) VCF-style: chr2-63609035-T-C.
Other names: c.1552+6A>G (NM_001354044.2); c.1147+6A>G (NM_001042692.3); c.1624+6A>G (NM_001354045.2).
Identifiers: ClinVar variation 1423702 (VCV001423702.6), dbSNP rs370961530, ClinGen allele CA1682181.